The following is an entry in ClinVar:

ClinVar aggregate classification (germline): Pathogenic. Review status: criteria provided, multiple submitters, no conflicts (2 of 4 stars). 8 submissions from 8 submitters: Pathogenic (6). 2 of the submissions do not count toward it. Last evaluated 2026-06-10.

Conditions:
COL7A1-related disorder. Also called: COL7A1-related condition; COL7A1- related disorders.
Inborn genetic diseases. Identifiers: MedGen C0950123, MeSH D030342.
Epidermolysis bullosa dystrophica. Also called: Dystrophic epidermolysis bullosa, Hallopeau-Siemens type (formerly); Dystrophic epidermolysis bullosa. Identifiers: Orphanet 303, MedGen C0079294, MONDO:0006543.
Generalized dominant dystrophic epidermolysis bullosa (DDEB). Also called: Dominant DEB (DDEB); DDEB, generalized; DDEB-gen; DYSTROPHIC EPIDERMOLYSIS BULLOSA, AUTOSOMAL DOMINANT; Epidermolysis bullosa dystrophica, autosomal dominant. Identifiers: Orphanet 231568, MedGen C0432322, MONDO:0007549, OMIM 131750.
Dominant dystrophic epidermolysis bullosa with absence of skin. Also called: EPIDERMOLYSIS BULLOSA WITH CONGENITAL LOCALIZED ABSENCE OF SKIN AND DEFORMITY OF NAILS; EPIDERMOLYSIS BULLOSA DYSTROPHICA, BART TYPE. Identifiers: MedGen C0268371, MONDO:0007557, OMIM 132000.

Allele frequency attached by ClinVar (database versions not stated): gnomAD exomes below 0.00001.
gnomAD v4.1: 3 of 1,612,732 alleles (0.00019%); highest among the groups gnomAD compares: Non-Finnish European, 0.00025%; no homozygotes.

Submissions (8):

PreventionGenetics, part of Exact Sciences
Classification: Pathogenic for COL7A1-related condition. Last evaluated: 2026-06-10. Review status: criteria provided, single submitter. Criteria: ACMG Guidelines, 2015. Collection method: clinical testing. Allele origin: germline.
Comment: The COL7A1 c.6007G>A variant is predicted to result in the amino acid substitution p.Gly2003Arg. This variant has been reported in many individuals with autosomal dominant or autosomal recessive dystrophic epidermolysis bullosa (see for example, Christiano et al. 1996. PubMed ID: 8752681; Yenamandra et al. 2018. PubMed ID: 29963685; Chen et al. 2018. PubMed ID: 29722429; Sawka and Funk. 2021. PubMed ID: 34338359). The amino acid p.Gly2003Arg resides in exon 73 and results in a glycine residue substitution. Glycine substitution variants in the triple helical domain (Gly-X-Y; especially in exons 73, 74, and 75) are predominant in autosomal dominant dystrophic epidermolysis bullosa (DDEB; Lucky et al. 2006. [Update 2025] PubMed ID: 20301481). This variant has not been reported in a large population database, indicating this variant is rare. This variant is interpreted as pathogenic.

Labcorp Genetics (formerly Invitae), Labcorp
Classification: Pathogenic. Last evaluated: 2025-11-08. Review status: criteria provided, single submitter. Criteria: Invitae Variant Classification Sherloc (09022015). Collection method: clinical testing. Allele origin: germline.
Comment: This sequence change replaces glycine, which is neutral and non-polar, with arginine, which is basic and polar, at codon 2003 of the COL7A1 protein (p.Gly2003Arg). This variant is not present in population databases (gnomAD no frequency). This missense change has been observed in individuals with autosomal dominant dystrophic epidermolysis bullosa (PMID: 8752681, 29963685). It has also been observed to segregate with disease in related individuals. ClinVar contains an entry for this variant (Variation ID: 17430). Invitae Evidence Modeling of protein sequence and biophysical properties (such as structural, functional, and spatial information, amino acid conservation, physicochemical variation, residue mobility, and thermodynamic stability) indicates that this missense variant is expected to disrupt COL7A1 protein function with a positive predictive value of 95%. This variant disrupts the triple helix domain of COL7A1. Glycine residues within the Gly-Xaa-Yaa repeats of the triple helix domain are required for the structure and stability of fibrillar collagens (PMID: 7695699, 8218237, 19344236), and variants at these glycine residues in COL7A1 are more frequently observed in individuals with disease than in the general population (PMID: 22058051). However, the clinical significance of this observation remains uncertain since only a limited number of affected individuals have been described to date. For these reasons, this variant has been classified as Pathogenic.

Blueprint Genetics
Classification: Pathogenic for COL7A1-related disorders. Last evaluated: 2024-11-18. Review status: criteria provided, single submitter. Criteria: ACMG Guidelines, 2015. Collection method: clinical testing. Allele origin: germline. Affected: yes. Observed: 4 variant alleles.

Neuberg Centre For Genomic Medicine, NCGM
Classification: Pathogenic for Generalized dominant dystrophic epidermolysis bullosa. Last evaluated: 2023-06-22. Review status: criteria provided, single submitter. Criteria: ACMG Guidelines, 2015. Collection method: clinical testing. Allele origin: germline. Inheritance: Autosomal dominant inheritance. Affected: yes.
Comment: The observed missense c.6007G>A(p.Gly2003Arg) variant in COL7A1 gene has been reported previously in multiple individuals affected with Epidermolysis bullosa (Yenamandra VK, et al., 2018; Chen Z, et al., 2018; Jerábková B, et al., 2010). This variant has also been observed to segregate with disease in related individuals. The p.Gly2003Arg variant is present with allele frequency of 0% in gnomAD Exomes. This variant has been reported to the ClinVar database as Pathogenic (multiple submissioons). Multiple lines of computational evidences (Polyphen - Probably damaging, SIFT - Damaging and MutationTaster - Disease causing) predict a damaging effect on protein structure and function for this variant. The reference amino acid change at this position on COL7A1 gene is predicted as conserved by GERP++ and PhyloP across 100 vertebrates. The amino acid Gly at position 2003 is changed to a Arg changing protein sequence and it might alter its composition and physico-chemical properties. For these reasons, this variant has been classified as Pathogenic.

GeneDx
Classification: Pathogenic. Last evaluated: 2022-09-06. Review status: criteria provided, single submitter. Criteria: GeneDx Variant Classification Process June 2021. Collection method: clinical testing. Allele origin: germline. Affected: yes.
Comment: Located in the highly conserved Gly-X-Y repeat of the collagenous domain; Glycine substitution variants in this region of the COLVII protein destabilize the collagen triple helix resulting in skin fragility due to poor anchoring of the basement membrane to the underlying dermis (Pfendner and Lucky, 2018); Not observed at significant frequency in large population cohorts (gnomAD); In silico analysis supports that this missense variant has a deleterious effect on protein structure/function; This variant is associated with the following publications: (PMID: 29722429, 21448560, 26707537, 8752681, 29963685, 20598510, 19681861, 8618021, 30523708, 34338359)

Ambry Genetics
Classification: Pathogenic for Inborn genetic diseases. Last evaluated: 2015-09-01. Review status: criteria provided, single submitter. Criteria: Ambry exome assertion method (8-5-2015). Collection method: clinical testing. Allele origin: germline. Affected: yes. Observed: 1 variant allele.

Natera, Inc.
Classification: Pathogenic for Dystrophic epidermolysis bullosa. Last evaluated: 2020-09-16. Review status: no assertion criteria provided. Collection method: clinical testing. Allele origin: germline. Not counted in ClinVar's aggregate classification.

OMIM
Classification: Pathogenic for EPIDERMOLYSIS BULLOSA DYSTROPHICA, BART TYPE. Last evaluated: 1996-04-01. Review status: no assertion criteria provided. Collection method: literature only. Allele origin: germline. Not counted in ClinVar's aggregate classification.

Literature cited by the submitters: PubMed 8752681 (cited by Labcorp Genetics (formerly Invitae), Labcorp); PubMed 29963685 (cited by Labcorp Genetics (formerly Invitae), Labcorp); PubMed 7695699 (cited by Labcorp Genetics (formerly Invitae), Labcorp); PubMed 8218237 (cited by Labcorp Genetics (formerly Invitae), Labcorp); PubMed 19344236 (cited by Labcorp Genetics (formerly Invitae), Labcorp); PubMed 22058051 (cited by Labcorp Genetics (formerly Invitae), Labcorp); PubMed 8618021 (cited by Ambry Genetics and OMIM); PubMed 11710955 (cited by Ambry Genetics); PubMed 2425097 (cited by Ambry Genetics); PubMed 5910871 (cited by Ambry Genetics and OMIM).

NM_000094.4(COL7A1):c.6007G>A (p.Gly2003Arg)

Gene: COL7A1 (collagen type VII alpha 1 chain; minus strand). Cytogenetic location: 3p21.31.
Variant type: single nucleotide variant.
Coding change: c.6007G>A on transcript NM_000094.4 (MANE Select); coding-DNA position 6007, G replaced by A.
Protein change: p.Gly2003Arg; replaces glycine 2003 with arginine.
Molecular consequence: missense variant.
Genome position (GRCh38, 1-based): chr3:48,575,512, C>T on the plus strand (G>A on the coding strand, the complement: COL7A1 is on the minus strand). VCF-style: chr3-48575512-C-T. GRCh37 (hg19) VCF-style: chr3-48612945-C-T.
Other names: short protein forms G2003R.
Identifiers: ClinVar variation 17430 (VCV000017430.21), dbSNP rs121912832, ClinGen allele CA257940.